The following is an entry in ClinVar:

ClinVar aggregate classification (germline): Uncertain significance (1 of 4 stars; one submission).

Conditions:
Brugada syndrome 8 (BRGDA8). Identifiers: Orphanet 130, MedGen C2751083, MONDO:0013148, OMIM 613123.

Submission:

Labcorp Genetics (formerly Invitae), Labcorp
Classification: Uncertain significance for Brugada syndrome 8. Last evaluated: 2022-03-29. Review status: criteria provided, single submitter. Criteria: Invitae Variant Classification Sherloc (09022015). Collection method: clinical testing. Allele origin: germline.
Comment: This sequence change replaces isoleucine, which is neutral and non-polar, with threonine, which is neutral and polar, at codon 833 of the HCN4 protein (p.Ile833Thr). This variant is not present in population databases (gnomAD no frequency). This variant has not been reported in the literature in individuals affected with HCN4-related conditions. Advanced modeling of protein sequence and biophysical properties (such as structural, functional, and spatial information, amino acid conservation, physicochemical variation, residue mobility, and thermodynamic stability) performed at Invitae indicates that this missense variant is not expected to disrupt HCN4 protein function. In summary, the available evidence is currently insufficient to determine the role of this variant in disease. Therefore, it has been classified as a Variant of Uncertain Significance.

NM_005477.3(HCN4):c.2498T>C (p.Ile833Thr)

Gene: HCN4 (hyperpolarization activated cyclic nucleotide gated potassium channel 4; minus strand). Cytogenetic location: 15q24.1.
Variant type: single nucleotide variant.
Coding change: c.2498T>C on transcript NM_005477.3 (MANE Select); coding-DNA position 2498, T replaced by C.
Protein change: p.Ile833Thr; replaces isoleucine 833 with threonine.
Molecular consequence: missense variant.
Genome position (GRCh38, 1-based): chr15:73,323,595, A>G on the plus strand (T>C on the coding strand, the complement: HCN4 is on the minus strand). VCF-style: chr15-73323595-A-G. GRCh37 (hg19) VCF-style: chr15-73615936-A-G.
Other names: short protein forms I833T.
Identifiers: ClinVar variation 1952134 (VCV001952134.5), dbSNP rs1595820032, ClinGen allele CA393088777.